The following is an entry in ClinVar:

ClinVar aggregate classification (germline): Likely pathogenic (1 of 4 stars; one submission).

Submission:

Labcorp Genetics (formerly Invitae), Labcorp
Classification: Likely pathogenic. Last evaluated: 2023-12-14. Review status: criteria provided, single submitter. Criteria: Invitae Variant Classification Sherloc (09022015). Collection method: clinical testing. Allele origin: germline.
Comment: This sequence change affects an acceptor splice site in intron 16 of the CDHR1 gene. While this variant is not anticipated to result in nonsense mediated decay, it likely alters RNA splicing and results in a disrupted protein product. This variant is not present in population databases (gnomAD no frequency). Disruption of this splice site has been observed in individuals with inherited retinal dystrophy (PMID: 31736247; Invitae). Variants that disrupt the consensus splice site are a relatively common cause of aberrant splicing (PMID: 17576681, 9536098). Algorithms developed to predict the effect of sequence changes on RNA splicing suggest that this variant may disrupt the consensus splice site. In summary, the currently available evidence indicates that the variant is pathogenic, but additional data are needed to prove that conclusively. Therefore, this variant has been classified as Likely Pathogenic.

Literature cited by the submitters: PubMed 31736247; PubMed 17576681; PubMed 9536098.

NM_033100.4(CDHR1):c.2041-1G>C

Gene: CDHR1 (cadherin related family member 1; plus strand). Cytogenetic location: 10q23.1.
Variant type: single nucleotide variant.
Coding change: c.2041-1G>C on transcript NM_033100.4 (MANE Select); the canonical splice acceptor site of the intron before coding-DNA position 2041, G replaced by C.
Molecular consequence: splice acceptor variant. On other transcripts: intron variant (1).
Genome position (GRCh38, 1-based): chr10:84,214,081, G>C. VCF-style: chr10-84214081-G-C. GRCh37 (hg19) VCF-style: chr10-85973837-G-C.
Other names: c.2040+733G>C (NM_001171971.3).
Identifiers: ClinVar variation 2862196 (VCV002862196.3), dbSNP rs2492548014, ClinGen allele CA377378941.
Genomic context (GRCh38, chr10:84,214,081, plus strand): 5'-ACTCTGTACTCCAGGGACCAGGTGGGAACAGCTGAGTGCAGGGAGTGGCTTTCTCTTTCA[G>C]ACCCTCTCCCGGAGCCCCATGGCTGCCTTCCTGATACAGACCAAGGACAACCCCATGAAG-3'